The following is an entry in ClinVar:

NM_001199107.2(TBC1D24):c.999G>T (p.Leu333Phe)

Gene: TBC1D24 (TBC1 domain family member 24; plus strand). Cytogenetic location: 16p13.3.
Variant type: single nucleotide variant.
Coding change: c.999G>T on transcript NM_001199107.2 (MANE Select); coding-DNA position 999, G replaced by T.
Protein change: p.Leu333Phe; replaces leucine 333 with phenylalanine.
Molecular consequence: missense variant.
Genome position (GRCh38, 1-based): chr16:2,498,253, G>T. VCF-style: chr16-2498253-G-T. GRCh37 (hg19) VCF-style: chr16-2548254-G-T.
Other names: c.981G>T, p.Leu327Phe (NM_020705.3); short protein forms L333F, L327F.
Identifiers: ClinVar variation 183155 (VCV000183155.2), dbSNP rs797044548, ClinGen allele CA347141.

ClinVar aggregate classification (germline): Pathogenic. Review status: criteria provided, single submitter (1 of 4 stars). 2 submissions from 2 submitters: Pathogenic (1). 1 of the submissions does not count toward it. Last evaluated 2014-01-01.

Conditions:
DOORS syndrome (DOORS). Also called: DEAFNESS, ONYCHODYSTROPHY, OSTEODYSTROPHY, IMPAIRED INTELLECTUAL DEVELOPMENT, AND SEIZURES SYNDROME; DRC SYNDROME; BRACHYDACTYLY DUE TO ABSENCE OF DISTAL PHALANGES; ERONEN SYNDROME; Digitorenocerebral syndrome; DOOR SYNDROME. Identifiers: Orphanet 3231, Orphanet 79500, MedGen C0795934, MONDO:0009079, OMIM 220500. Disease mechanism: loss of function.

Submissions (2):

Lupski Lab, Baylor-Hopkins CMG, Baylor College of Medicine
Classification: Pathogenic for DOORS syndrome. Last evaluated: 2014-01-01. Review status: criteria provided, single submitter. Criteria: Campeau et al. (Lancet Neurol 2014). Collection method: research. Allele origin: germline. Inheritance: Autosomal recessive inheritance. Affected: yes and no. Observed: 2 variant alleles, 1 heterozygote, 1 compound heterozygote.
Comment: We identified 26 families with DOORS syndrome; each patient had at least 3 of the 5 well-described features of DOORS syndrome, which include deafness, onychodystrophy, osteodystrophy, intellectual disability, and seizures. A combination of whole-exome sequencing and Sanger sequencing identified homozygous or compound heterozygous pathogenic variants in TBC1D24 in 11 individuals from 9 families.

Division of Medical Genetics; Sainte-Justine Hospital
Classification: Pathogenic for DOORS. Last evaluated: 2014-12-22. Review status: no assertion criteria provided. Collection method: literature only. Allele origin: germline. Affected: yes. Not counted in ClinVar's aggregate classification.

Literature cited by the submitters: PubMed 25169651 (cited by Lupski Lab, Baylor-Hopkins CMG, Baylor College of Medicine); PubMed 25719194 (cited by Lupski Lab, Baylor-Hopkins CMG, Baylor College of Medicine).